The following is an entry in ClinVar:

NM_000264.5(PTCH1):c.3305T>G (p.Leu1102Trp)

Gene: PTCH1 (patched 1; minus strand). Cytogenetic location: 9q22.32.
Variant type: single nucleotide variant.
Coding change: c.3305T>G on transcript NM_000264.5 (MANE Select); coding-DNA position 3305, T replaced by G.
Protein change: p.Leu1102Trp; replaces leucine 1102 with tryptophan.
Molecular consequence: missense variant. On other transcripts: non-coding transcript variant (1).
Genome position (GRCh38, 1-based): chr9:95,456,277, A>C on the plus strand (T>G on the coding strand, the complement: PTCH1 is on the minus strand). VCF-style: chr9-95456277-A-C. GRCh37 (hg19) VCF-style: chr9-98218559-A-C.
Other names: c.3107T>G, p.Leu1036Trp (NM_001083602.3); c.3302T>G, p.Leu1101Trp (NM_001083603.3); c.2852T>G, p.Leu951Trp (NM_001083604.3, NM_001083605.3, NM_001083606.3 and 1 more transcripts); c.3149T>G, p.Leu1050Trp (NM_001354918.2); short protein forms L1102W, L1101W, L951W, L1036W, L1050W.
Identifiers: ClinVar variation 3717414 (VCV003717414.2).

ClinVar aggregate classification (germline): Uncertain significance (1 of 4 stars; one submission).

Conditions:
Gorlin syndrome. Also called: Basal cell nevus syndrome; Nevoid Basal Cell Carcinoma Syndrome. Identifiers: Orphanet 377, MedGen C0004779, MONDO:0007187.

Submission:

Labcorp Genetics (formerly Invitae), Labcorp
Classification: Uncertain significance for Gorlin syndrome. Last evaluated: 2024-07-31. Review status: criteria provided, single submitter. Criteria: Invitae Variant Classification Sherloc (09022015). Collection method: clinical testing. Allele origin: germline.
Comment: This sequence change replaces leucine, which is neutral and non-polar, with tryptophan, which is neutral and slightly polar, at codon 1102 of the PTCH1 protein (p.Leu1102Trp). This variant is not present in population databases (gnomAD no frequency). This variant has not been reported in the literature in individuals affected with PTCH1-related conditions. An algorithm developed to predict the effect of missense changes on protein structure and function (PolyPhen-2) suggests that this variant is likely to be disruptive. In summary, the available evidence is currently insufficient to determine the role of this variant in disease. Therefore, it has been classified as a Variant of Uncertain Significance.